The following is an entry in ClinVar:

ClinVar aggregate classification (germline): Uncertain significance (1 of 4 stars; one submission).

Conditions:
3-methylglutaconic aciduria, type VIIB (MGCA7B). Also called: 3-methylglutaconic aciduria, type VII, with cataracts, neurologic involvement and neutropenia; CLPB Deficiency; 3-methylglutaconic aciduria with cataracts, neurologic involvement and neutropenia. Identifiers: Orphanet 445038, MedGen C5676893, MONDO:0014561, OMIM 616271.

Submission:

Labcorp Genetics (formerly Invitae), Labcorp
Classification: Uncertain significance for 3-methylglutaconic aciduria, type VIIB. Last evaluated: 2024-07-11. Review status: criteria provided, single submitter. Criteria: Invitae Variant Classification Sherloc (09022015). Collection method: clinical testing. Allele origin: germline.
Comment: This sequence change falls in intron 14 of the CLPB gene. It does not directly change the encoded amino acid sequence of the CLPB protein. Information on the frequency of this variant in the gnomAD database is not available, as this variant may be reported differently in the database. This variant has not been reported in the literature in individuals affected with CLPB-related conditions. Experimental studies and prediction algorithms are not available or were not evaluated, and the effect of this variant on mRNA splicing is currently unknown. In summary, the available evidence is currently insufficient to determine the role of this variant in disease. Therefore, it has been classified as a Variant of Uncertain Significance.

NM_001258392.3(CLPB):c.1561-11_1561-10delinsCT

Gene: CLPB (ClpB family mitochondrial disaggregase; minus strand). Cytogenetic location: 11q13.4.
Variant type: Indel.
Coding change: c.1561-11_1561-10delinsCT on transcript NM_001258392.3 (MANE Select); 11 bases into the intron before coding-DNA position 1561 through 10 bases into the intron before coding-DNA position 1561, TG replaced by CT.
Molecular consequence: intron variant.
Genome position (GRCh38, 1-based): chr11:72,294,454-72,294,455, CA replaced by AG on the plus strand (TG replaced by CT on the coding strand, the reverse complement: CLPB is on the minus strand). VCF-style: chr11-72294454-CA-AG. GRCh37 (hg19) VCF-style: chr11-72005498-CA-AG.
Other names: c.1474-11_1474-10delinsCT (NM_001258393.3); c.1651-11_1651-10delinsCT (NM_030813.6); c.1516-11_1516-10delinsCT (NM_001258394.3).
Identifiers: ClinVar variation 3659284 (VCV003659284.2).
Genomic context (GRCh38, chr11:72,294,454, plus strand): 5'-GTAGACGATCTCATTGATCCGTCCCAGAAACTCATCCCTCCGGAAGTGAGCCTGAAGGGC[CA>AG]GGTTAGGGGTGGGATGAGCTCAGTGACCCAGAGCGGGTTAGGGAAATTACCAGACACCAG-3'